The following is an entry in ClinVar:

NM_006767.4(LZTR1):c.1710C>T (p.Ile570=)

Gene: LZTR1 (leucine zipper like post translational regulator 1; plus strand). Cytogenetic location: 22q11.21.
Variant type: single nucleotide variant.
Coding change: c.1710C>T on transcript NM_006767.4 (MANE Select); coding-DNA position 1710, C replaced by T.
Protein change: p.Ile570=; no amino-acid change (isoleucine 570 retained).
Molecular consequence: synonymous variant.
Genome position (GRCh38, 1-based): chr22:20,994,652, C>T. VCF-style: chr22-20994652-C-T. GRCh37 (hg19) VCF-style: chr22-21348941-C-T.
Identifiers: ClinVar variation 772006 (VCV000772006.33), dbSNP rs779730131, ClinGen allele CA10119029.

ClinVar aggregate classification (germline): Benign/Likely benign. Review status: criteria provided, multiple submitters, no conflicts (2 of 4 stars). 5 submissions from 5 submitters: Benign (2); Likely benign (3). Last evaluated 2026-01-27.

Conditions:
Hereditary cancer-predisposing syndrome. Also called: Hereditary neoplastic syndrome; Neoplastic Syndromes, Hereditary; Hereditary Cancer Syndrome; Tumor predisposition. Identifiers: Orphanet 140162, MedGen C0027672, MeSH D009386, MONDO:0015356.
Cardiovascular phenotype. Identifiers: MedGen CN230736.

Allele frequency attached by ClinVar (database versions not stated): gnomAD 0.00003 and 0.00004; gnomAD exomes 0.00004 and 0.00018; TOPMed 0.00007; ExAC 0.00015.

Submissions (5):

Labcorp Genetics (formerly Invitae), Labcorp
Classification: Benign. Last evaluated: 2026-01-27. Review status: criteria provided, single submitter. Criteria: Invitae Variant Classification Sherloc (09022015). Collection method: clinical testing. Allele origin: germline.

Women's Health and Genetics/Laboratory Corporation of America, LabCorp
Classification: Likely benign. Last evaluated: 2025-03-28. Review status: criteria provided, single submitter. Criteria: LabCorp Variant Classification Summary - May 2015. Collection method: clinical testing. Allele origin: germline.

Blueprint Genetics
Classification: Likely benign. Last evaluated: 2024-07-01. Review status: criteria provided, single submitter. Criteria: ACMG Guidelines, 2015. Collection method: clinical testing. Allele origin: germline.

CeGaT Center for Human Genetics Tuebingen
Classification: Likely benign. Last evaluated: 2024-04-01. Review status: criteria provided, single submitter. Criteria: CeGaT Center For Human Genetics Tuebingen Variant Classification Criteria Version 2. Collection method: clinical testing. Allele origin: germline. Affected: yes. Observed: 1 variant allele.
Comment: LZTR1: BP4, BP7

Ambry Genetics
Classification: Benign for Cardiovascular phenotype; Hereditary cancer-predisposing syndrome. Last evaluated: 2021-03-15. Review status: criteria provided, single submitter. Criteria: Ambry Variant Classification Scheme 2023. Collection method: clinical testing. Allele origin: germline.